The following is an entry in ClinVar:

ClinVar aggregate classification (germline): Uncertain significance (1 of 4 stars; one submission).

Conditions:
Neurodevelopmental disorder. Identifiers: MedGen C1535926, MeSH D065886, MONDO:0700092.

Submission:

Broad Center for Mendelian Genomics, Broad Institute of MIT and Harvard
Classification: Uncertain significance for Neurodevelopmental disorder. Last evaluated: 2024-06-19. Review status: criteria provided, single submitter. Criteria: ACMG Guidelines, 2015. Collection method: curation. Allele origin: germline. Inheritance: Autosomal dominant inheritance. Study: GREGoR Consortium.
Comment: While this gene is still lacking sufficient evidence to establish a gene-disease relationship, we believe this is a possible novel gene candidate for neurodevelopmental disorders. Given the limited information about this gene-disease relationship, the significance of the p.Thr703Pro variant is uncertain. If you have any additional information about functional evidence or other individuals with this phenotype that also have variants in SF3B1 we encourage you to reach out to us.

NM_012433.4(SF3B1):c.2107A>C (p.Thr703Pro)

Gene: SF3B1 (splicing factor 3b subunit 1; minus strand). Cytogenetic location: 2q33.1.
Variant type: single nucleotide variant.
Coding change: c.2107A>C on transcript NM_012433.4 (MANE Select); coding-DNA position 2107, A replaced by C.
Protein change: p.Thr703Pro; replaces threonine 703 with proline.
Molecular consequence: missense variant.
Genome position (GRCh38, 1-based): chr2:197,402,101, T>G on the plus strand (A>C on the coding strand, the complement: SF3B1 is on the minus strand). VCF-style: chr2-197402101-T-G. GRCh37 (hg19) VCF-style: chr2-198266825-T-G.
Other names: NM_012433.4:c.2107A>C; short protein forms T703P.
Identifiers: ClinVar variation 3252050 (VCV003252050.1), dbSNP rs760147216.